The following is an entry in ClinVar:

ClinVar aggregate classification (germline): Pathogenic (1 of 4 stars; one submission).

Conditions:
Cystic fibrosis (CF). Also called: MUCOVISCIDOSIS. Identifiers: Orphanet 586, MedGen C0010674, MONDO:0009061, OMIM 219700. Disease mechanism: loss of function.

Submission:

Women's Health and Genetics/Laboratory Corporation of America, LabCorp
Classification: Pathogenic for Cystic fibrosis. Last evaluated: 2024-12-23. Review status: criteria provided, single submitter. Criteria: LabCorp Variant Classification Summary - May 2015. Collection method: clinical testing. Allele origin: germline.
Comment: Variant summary: CFTR c.396delT (p.Ile132MetfsX2) results in a premature termination codon, predicted to cause absence of the protein due to nonsense mediated decay, which is a commonly known mechanism for disease. The variant was absent in 250858 control chromosomes (gnomAD). To our knowledge, no occurrence of c.396delT in individuals affected with Cystic Fibrosis and no experimental evidence demonstrating its impact on protein function have been reported. ClinVar contains an entry for this variant (Variation ID: 1328993). Based on the evidence outlined above, the variant was classified as pathogenic.

NM_000492.4(CFTR):c.396del (p.Ile132fs)

Gene: CFTR (CF transmembrane conductance regulator; plus strand). Cytogenetic location: 7q31.2.
Variant type: Deletion.
Coding change: c.396del on transcript NM_000492.4 (MANE Select); coding-DNA position 396, one base deleted (T; older notation c.396delT).
Protein change: p.Ile132fs; shifts the reading frame from isoleucine 132.
Molecular consequence: frameshift variant.
Genome position (GRCh38, 1-based): chr7:117,531,021, T deleted; the last of 2 consecutive T bases (chr7:117,531,020-117,531,021); deleting either gives the same sequence. VCF-style (leftmost placement, unchanged base first): chr7-117531019-AT-A. GRCh37 (hg19) VCF-style: chr7-117171073-AT-A.
Other names: c.396delT (NM_000492.4); short protein forms I132fs.
Identifiers: ClinVar variation 1328993 (VCV001328993.2), dbSNP rs1798854379, ClinGen allele CA1737359520.
Genomic context (GRCh38, chr7:117,531,019, plus strand): 5'-GATAACAAGGAGGAACGCTCTATCGCGATTTATCTAGGCATAGGCTTATGCCTTCTCTTT[AT>A]TGTGAGGACACTGCTCCTACACCCAGCCATTTTTGGCCTTCATCACATTGGAATGCAGAT-3'